The following is an entry in ClinVar:

NM_002471.4(MYH6):c.4303G>A (p.Glu1435Lys)

Gene: MYH6 (myosin heavy chain 6; minus strand). Cytogenetic location: 14q11.2.
Variant type: single nucleotide variant.
Coding change: c.4303G>A on transcript NM_002471.4 (MANE Select); coding-DNA position 4303, G replaced by A.
Protein change: p.Glu1435Lys; replaces glutamic acid 1435 with lysine.
Molecular consequence: missense variant.
Genome position (GRCh38, 1-based): chr14:23,388,211, C>T on the plus strand (G>A on the coding strand, the complement: MYH6 is on the minus strand). VCF-style: chr14-23388211-C-T. GRCh37 (hg19) VCF-style: chr14-23857420-C-T.
Other names: short protein forms E1435K.
Identifiers: ClinVar variation 3297493 (VCV003297493.1).

ClinVar aggregate classification (germline): Uncertain significance (1 of 4 stars; one submission).

Conditions:
Cardiovascular phenotype. Identifiers: MedGen CN230736.

Submission:

Ambry Genetics
Classification: Uncertain significance for Cardiovascular phenotype. Last evaluated: 2024-05-21. Review status: criteria provided, single submitter. Criteria: Ambry Variant Classification Scheme 2023. Collection method: clinical testing. Allele origin: germline.
Comment: The p.E1435K variant (also known as c.4303G>A), located in coding exon 28 of the MYH6 gene, results from a G to A substitution at nucleotide position 4303. The glutamic acid at codon 1435 is replaced by lysine, an amino acid with similar properties. This amino acid position is conserved. In addition, this alteration is predicted to be deleterious by in silico analysis. Based on the available evidence, the clinical significance of this variant remains unclear.